The following is an entry in ClinVar:

NM_000245.4(MET):c.2347G>C (p.Gly783Arg)

Gene: MET (MET proto-oncogene, receptor tyrosine kinase; plus strand). Cytogenetic location: 7q31.2.
Variant type: single nucleotide variant.
Coding change: c.2347G>C on transcript NM_000245.4 (MANE Select); coding-DNA position 2347, G replaced by C.
Protein change: p.Gly783Arg; replaces glycine 783 with arginine.
Molecular consequence: missense variant.
Genome position (GRCh38, 1-based): chr7:116,759,473, G>C. VCF-style: chr7-116759473-G-C. GRCh37 (hg19) VCF-style: chr7-116399527-G-C.
Other names: c.2401G>C, p.Gly801Arg (NM_001127500.3); c.2347G>C, p.Gly783Arg (NM_001324401.3); c.1057G>C, p.Gly353Arg (NM_001324402.2); c.2401G>C (NM_001127500.2); short protein forms G801R, G783R, G353R.
Identifiers: ClinVar variation 246632 (VCV000246632.15), dbSNP rs879254334, ClinGen allele CA10584664.
Genomic context (GRCh38, chr7:116,759,473, plus strand): 5'-GTTGGGAAAAACCTGAATTCAGTTAGTGTCCCGAGAATGGTCATAAATGTGCATGAAGCA[G>C]GAAGGAACTTTACAGTGGTAAGTCCTTTGAGCAATGGTTCTACTCAGAGCTCTGCATCTT-3'
Protein context (NP_000236.2, residues 773-793): PRMVINVHEA[Gly783Arg]RNFTVACQHR

ClinVar aggregate classification (germline): Conflicting classifications of pathogenicity. Review status: criteria provided, conflicting classifications (1 of 4 stars). 4 submissions from 4 submitters: Uncertain significance (3); Likely benign (1). Last evaluated 2024-12-08.

Conditions:
Renal cell carcinoma. Identifiers: Orphanet 217071, MedGen C0007134, MeSH D002292, MONDO:0005086, HP:0005584.
Hereditary cancer-predisposing syndrome. Also called: Hereditary neoplastic syndrome; Neoplastic Syndromes, Hereditary; Tumor predisposition; Hereditary Cancer Syndrome. Identifiers: Orphanet 140162, MedGen C0027672, MeSH D009386, MONDO:0015356.

Allele frequency attached by ClinVar (database versions not stated): gnomAD exomes 0.00001.
gnomAD v4.1: 7 of 1,613,556 alleles (0.00043%); highest among the groups gnomAD compares: Non-Finnish European, 0.00059%; no homozygotes.

Submissions (4):

Labcorp Genetics (formerly Invitae), Labcorp
Classification: Uncertain significance for Renal cell carcinoma. Last evaluated: 2024-12-08. Review status: criteria provided, single submitter. Criteria: Invitae Variant Classification Sherloc (09022015). Collection method: clinical testing. Allele origin: germline.
Comment: This sequence change replaces glycine, which is neutral and non-polar, with arginine, which is basic and polar, at codon 801 of the MET protein (p.Gly801Arg). This variant is not present in population databases (gnomAD no frequency). This variant has not been reported in the literature in individuals affected with MET-related conditions. ClinVar contains an entry for this variant (Variation ID: 246632). Invitae Evidence Modeling of protein sequence and biophysical properties (such as structural, functional, and spatial information, amino acid conservation, physicochemical variation, residue mobility, and thermodynamic stability) indicates that this missense variant is not expected to disrupt MET protein function with a negative predictive value of 80%. In summary, the available evidence is currently insufficient to determine the role of this variant in disease. Therefore, it has been classified as a Variant of Uncertain Significance.

Quest Diagnostics Nichols Institute San Juan Capistrano
Classification: Uncertain significance. Last evaluated: 2024-04-19. Review status: criteria provided, single submitter. Criteria: Quest Diagnostics criteria. Collection method: clinical testing. Allele origin: unknown.

GeneDx
Classification: Uncertain significance. Last evaluated: 2023-11-13. Review status: criteria provided, single submitter. Criteria: GeneDx Variant Classification Process June 2021. Collection method: clinical testing. Allele origin: germline. Affected: yes.
Comment: Not observed at significant frequency in large population cohorts (gnomAD); In silico analysis supports that this missense variant does not alter protein structure/function; Has not been previously published as pathogenic or benign to our knowledge

Ambry Genetics
Classification: Likely benign for Hereditary cancer-predisposing syndrome. Last evaluated: 2018-02-16. Review status: criteria provided, single submitter. Criteria: Ambry Variant Classification Scheme 2023. Collection method: clinical testing. Allele origin: germline.